The following is an entry in ClinVar:

ClinVar aggregate classification (germline): Uncertain significance (1 of 4 stars; one submission).

Allele frequency attached by ClinVar (database versions not stated): TOPMed below 0.00001; gnomAD 0.00001.
gnomAD v4.1: 2 of 1,607,584 alleles (0.00012%); highest among the groups gnomAD compares: Non-Finnish European, 0.00017%; no homozygotes.

Submission:

Labcorp Genetics (formerly Invitae), Labcorp
Classification: Uncertain significance. Last evaluated: 2021-08-31. Review status: criteria provided, single submitter. Criteria: Invitae Variant Classification Sherloc (09022015). Collection method: clinical testing. Allele origin: germline.
Comment: This sequence change replaces proline with alanine at codon 847 of the PTPN23 protein (p.Pro847Ala). The proline residue is moderately conserved and there is a small physicochemical difference between proline and alanine. This variant is not present in population databases (ExAC no frequency). This variant has not been reported in the literature in individuals affected with PTPN23-related conditions. Algorithms developed to predict the effect of missense changes on protein structure and function are either unavailable or do not agree on the potential impact of this missense change (SIFT: "Deleterious"; PolyPhen-2: "Not Available"; Align-GVGD: "Class C0"). In summary, the available evidence is currently insufficient to determine the role of this variant in disease. Therefore, it has been classified as a Variant of Uncertain Significance.

NM_015466.4(PTPN23):c.2539C>G (p.Pro847Ala)

Gene: PTPN23 (protein tyrosine phosphatase non-receptor type 23; plus strand). Cytogenetic location: 3p21.31.
Variant type: single nucleotide variant.
Coding change: c.2539C>G on transcript NM_015466.4 (MANE Select); coding-DNA position 2539, C replaced by G.
Protein change: p.Pro847Ala; replaces proline 847 with alanine.
Molecular consequence: missense variant.
Genome position (GRCh38, 1-based): chr3:47,410,337, C>G. VCF-style: chr3-47410337-C-G. GRCh37 (hg19) VCF-style: chr3-47451827-C-G.
Other names: c.2161C>G, p.Pro721Ala (NM_001304482.2); short protein forms P847A, P721A.
Identifiers: ClinVar variation 1480499 (VCV001480499.5), dbSNP rs1705242407, ClinGen allele CA352559377.